The following is an entry in ClinVar:

NM_015971.4(MRPS7):c.84-74T>C

Gene: MRPS7 (mitochondrial ribosomal protein S7; plus strand). Cytogenetic location: 17q25.1.
Variant type: single nucleotide variant.
Coding change: c.84-74T>C on transcript NM_015971.4 (MANE Select); 74 bases into the intron before coding-DNA position 84, T replaced by C.
Molecular consequence: intron variant.
Genome position (GRCh38, 1-based): chr17:75,262,423, T>C. VCF-style: chr17-75262423-T-C. GRCh37 (hg19) VCF-style: chr17-73258504-T-C.
Identifiers: ClinVar variation 677495 (VCV000677495.2), dbSNP rs116366134, ClinGen allele CA8760257.

ClinVar aggregate classification (germline): Benign. Review status: criteria provided, multiple submitters, no conflicts (2 of 4 stars). 2 submissions from 2 submitters: Benign (2). Last evaluated 2018-06-19.

Allele frequency attached by ClinVar (database versions not stated): gnomAD exomes 0.00217 and 0.00655; ExAC 0.00762; 1000 Genomes Project 0.02256; gnomAD 0.02288 and 0.02486; 1000 Genomes Project 30x 0.02358; TOPMed 0.02673.

Submissions (2):

GeneDx
Classification: Benign. Last evaluated: 2018-06-19. Review status: criteria provided, single submitter. Criteria: GeneDx Variant Classification (06012015). Collection method: clinical testing. Allele origin: germline. Affected: yes.
Comment: This variant is considered likely benign or benign based on one or more of the following criteria: it is a conservative change, it occurs at a poorly conserved position in the protein, it is predicted to be benign by multiple in silico algorithms, and/or has population frequency not consistent with disease.

Breakthrough Genomics
Classification: Benign. Review status: criteria provided, single submitter. Criteria: ACMG Guidelines, 2015. Collection method: not provided. Allele origin: germline. Inheritance: Autosomal recessive inheritance. Affected: yes.